The following is an entry in ClinVar:

ClinVar aggregate classification (germline): Uncertain significance (1 of 4 stars; one submission).

Conditions:
Diffuse cerebral and cerebellar atrophy - intractable seizures - progressive microcephaly syndrome. Also called: Microcephaly, progressive, with seizures and cerebral and cerebellar atrophy. Identifiers: Orphanet 404437, MedGen C4014239, MONDO:0014335, OMIM 615760.

Allele frequency attached by ClinVar (database versions not stated): gnomAD exomes below 0.00001; TOPMed below 0.00001; gnomAD 0.00001.
gnomAD v4.1: 2 of 1,614,074 alleles (0.00012%); no homozygotes.

Submission:

Labcorp Genetics (formerly Invitae), Labcorp
Classification: Uncertain significance for Diffuse cerebral and cerebellar atrophy - intractable seizures - progressive microcephaly syndrome. Last evaluated: 2023-02-08. Review status: criteria provided, single submitter. Criteria: Invitae Variant Classification Sherloc (09022015). Collection method: clinical testing. Allele origin: germline.
Comment: This sequence change falls in intron 13 of the QARS gene. It does not directly change the encoded amino acid sequence of the QARS protein. It affects a nucleotide within the consensus splice site. This variant is not present in population databases (gnomAD no frequency). This variant has not been reported in the literature in individuals affected with QARS-related conditions. ClinVar contains an entry for this variant (Variation ID: 1407985). Variants that disrupt the consensus splice site are a relatively common cause of aberrant splicing (PMID: 17576681, 9536098). Algorithms developed to predict the effect of sequence changes on RNA splicing suggest that this variant is not likely to affect RNA splicing. In summary, the available evidence is currently insufficient to determine the role of this variant in disease. Therefore, it has been classified as a Variant of Uncertain Significance.

Literature cited by the submitters: PubMed 17576681; PubMed 9536098.

NM_005051.3(QARS1):c.1164+6G>C

Gene: QARS1 (glutaminyl-tRNA synthetase 1; minus strand). Cytogenetic location: 3p21.31.
Variant type: single nucleotide variant.
Coding change: c.1164+6G>C on transcript NM_005051.3 (MANE Select); 6 bases into the intron after coding-DNA position 1164, G replaced by C.
Molecular consequence: intron variant.
Genome position (GRCh38, 1-based): chr3:49,100,184, C>G on the plus strand (G>C on the coding strand, the complement: QARS1 is on the minus strand). VCF-style: chr3-49100184-C-G. GRCh37 (hg19) VCF-style: chr3-49137617-C-G.
Other names: c.1131+6G>C (NM_001272073.2).
Identifiers: ClinVar variation 1407985 (VCV001407985.6), dbSNP rs1553751939, ClinGen allele CA1047726473.
Genomic context (GRCh38, chr3:49,100,184, plus strand): 5'-GCACAGGAGCATCTCATTCTCAGCACCTTGGCCCACCCAAACCCAGATGCTCCTCTAGGA[C>G]CCCACCTCAAAGAGCAGCAGTGACTCCTCCATGGGACGGTCTCTCCAGGGTGAAGGCAGA-3'